The following is an entry in ClinVar:

ClinVar aggregate classification (germline): Likely benign (1 of 4 stars; one submission).

Allele frequency attached by ClinVar (database versions not stated): TOPMed 0.00003; 1000 Genomes Project 30x 0.00016; 1000 Genomes Project 0.00020; ExAC 0.00034; gnomAD 0.00043.
gnomAD v4.1: 264 of 1,612,956 alleles (0.016%); highest among the groups gnomAD compares: Non-Finnish European, 0.0043%; 1 homozygote.

Submission:

CeGaT Center for Human Genetics Tuebingen
Classification: Likely benign. Last evaluated: 2023-01-01. Review status: criteria provided, single submitter. Criteria: CeGaT Center For Human Genetics Tuebingen Variant Classification Criteria Version 2. Collection method: clinical testing. Allele origin: germline. Affected: yes. Observed: 1 variant allele.
Comment: MEGF8: BP4, BP7

NM_001271938.2(MEGF8):c.1548T>C (p.His516=)

Gene: MEGF8 (multiple EGF like domains 8; plus strand). Cytogenetic location: 19q13.2.
Variant type: single nucleotide variant.
Coding change: c.1548T>C on transcript NM_001271938.2 (MANE Select); coding-DNA position 1548, T replaced by C.
Protein change: p.His516=; no amino-acid change (histidine 516 retained).
Molecular consequence: synonymous variant.
Genome position (GRCh38, 1-based): chr19:42,343,511, T>C. VCF-style: chr19-42343511-T-C. GRCh37 (hg19) VCF-style: chr19-42847663-T-C.
Other names: c.1548T>C, p.His516= (NM_001410.3).
Identifiers: ClinVar variation 2650026 (VCV002650026.24), dbSNP rs200112539, ClinGen allele CA9474483.